The following is an entry in ClinVar:

ClinVar aggregate classification (germline): Conflicting classifications of pathogenicity. Review status: criteria provided, conflicting classifications (1 of 4 stars). 2 submissions from 2 submitters: Pathogenic (1); Uncertain significance (1). Last evaluated 2022-01-03.

Conditions:
Succinate-semialdehyde dehydrogenase deficiency (SSADHD). Also called: Succinic Semialdehyde Dehydrogenase Deficiency; 4-HYDROXYBUTYRIC ACIDURIA; GABA METABOLIC DEFECT; SSADH DEFICIENCY. Identifiers: Orphanet 22, MedGen C0268631, MONDO:0010083, OMIM 271980.

Allele frequency attached by ClinVar (database versions not stated): gnomAD exomes below 0.00001.

Submissions (2):

3billion
Classification: Pathogenic for Succinate-semialdehyde dehydrogenase deficiency. Last evaluated: 2022-01-03. Review status: criteria provided, single submitter. Criteria: ACMG Guidelines, 2015. Collection method: clinical testing. Allele origin: germline. Affected: yes. Observed: 1 homozygote.
Comment: Canonical splice site: predicted to alter splicing and result in a loss or disruption of normal protein function through protein truncation. Multiple pathogenic variants are reported in the predicted truncated region (PVS1_VS). Therefore, this variant is classified as pathogenic according to the recommendation of ACMG/AMP guideline.

Neuberg Centre For Genomic Medicine, NCGM
Classification: Uncertain significance for Succinate-semialdehyde dehydrogenase deficiency. Review status: criteria provided, single submitter. Criteria: ACMG Guidelines, 2015. Collection method: clinical testing. Allele origin: germline. Inheritance: Autosomal recessive inheritance. Affected: yes.
Comment: The splice donor variant c.1343+1delG in ALDH5A1 (NM_001080.3) variant has been submitted to ClinVar as Pathogenic but no details available for independent assessment. The variant has not been reported in affected indviduals. The c.1343+1delG variant is observed in 1/30,616 (0.0033%) alleles from individuals of South Asian background in gnomAD Exomes and is novel (not in any individuals) in 1000 Genomes. The c.1343+1delG variant is a loss of function variant in the gene ALDH5A1, which is intolerant of Loss of Function variants. Since this variant is present in the penultimate exon it is classified as Variant of Uncertain Significance (VUS). Functional studies will be required to prove protein truncation and loss of function.

NM_001080.3(ALDH5A1):c.1343+1del

Gene: ALDH5A1 (aldehyde dehydrogenase 5 family member A1; plus strand). Cytogenetic location: 6p22.3.
Variant type: Deletion.
Coding change: c.1343+1del on transcript NM_001080.3 (MANE Select); the canonical splice donor site of the intron after coding-DNA position 1343, one base deleted (G; older notation c.1343+1delG).
Molecular consequence: splice donor variant.
Genome position (GRCh38, 1-based): chr6:24,528,167, G deleted. VCF-style (leftmost placement, unchanged base first): chr6-24528166-AG-A. GRCh37 (hg19) VCF-style: chr6-24528394-AG-A.
Other names: c.1382+1del (NM_170740.1); c.1199+1del (NM_001368954.1).
Identifiers: ClinVar variation 1333253 (VCV001333253.1), dbSNP rs1561879386, ClinGen allele CA566286755.